The following is an entry in ClinVar:

ClinVar aggregate classification (germline): Uncertain significance (1 of 4 stars; one submission).

gnomAD v4.1: 34 of 1,614,016 alleles (0.0021%); highest among the groups gnomAD compares: East Asian, 0.0089%; no homozygotes.

Submission:

Labcorp Genetics (formerly Invitae), Labcorp
Classification: Uncertain significance. Last evaluated: 2026-02-01. Review status: criteria provided, single submitter. Criteria: Invitae Variant Classification Sherloc (09022015). Collection method: clinical testing. Allele origin: germline.
Comment: This sequence change replaces aspartic acid, which is acidic and polar, with asparagine, which is neutral and polar, at codon 119 of the CSGALNACT1 protein (p.Asp119Asn). This variant is present in population databases (rs746556853, gnomAD 0.05%). This variant has not been reported in the literature in individuals affected with CSGALNACT1-related conditions. An algorithm developed to predict the effect of missense changes on protein structure and function (PolyPhen-2) suggests that this variant is likely to be tolerated. In summary, the available evidence is currently insufficient to determine the role of this variant in disease. Therefore, it has been classified as a Variant of Uncertain Significance.

NM_001354483.2(CSGALNACT1):c.355G>A (p.Asp119Asn)

Gene: CSGALNACT1 (chondroitin sulfate N-acetylgalactosaminyltransferase 1; minus strand). Cytogenetic location: 8p21.3.
Variant type: single nucleotide variant.
Coding change: c.355G>A on transcript NM_001354483.2 (MANE Select); coding-DNA position 355, G replaced by A.
Protein change: p.Asp119Asn; replaces aspartic acid 119 with asparagine.
Molecular consequence: missense variant. On other transcripts: non-coding transcript variant (7).
Genome position (GRCh38, 1-based): chr8:19,505,480, C>T on the plus strand (G>A on the coding strand, the complement: CSGALNACT1 is on the minus strand). VCF-style: chr8-19505480-C-T. GRCh37 (hg19) VCF-style: chr8-19362991-C-T.
Other names: c.355G>A, p.Asp119Asn (NM_001130518.2, NM_001354475.2, NM_001354476.2 and 18 more transcripts); short protein forms D119N.
Identifiers: ClinVar variation 4695050 (VCV004695050.1).